The following is an entry in ClinVar:

NM_001378778.1(MPDZ):c.2754_2755delinsAT (p.Val919Leu)

Gene: MPDZ (multiple PDZ domain crumbs cell polarity complex component; minus strand). Cytogenetic location: 9p23.
Variant type: Indel.
Coding change: c.2754_2755delinsAT on transcript NM_001378778.1 (MANE Select); coding-DNA positions 2754 to 2755, GG replaced by AT.
Protein change: p.Val919Leu; replaces valine 919 with leucine.
Molecular consequence: missense variant.
Genome position (GRCh38, 1-based): chr9:13,176,312-13,176,313, CC replaced by AT on the plus strand (GG replaced by AT on the coding strand, the reverse complement: MPDZ is on the minus strand). VCF-style: chr9-13176312-CC-AT. GRCh37 (hg19) VCF-style: chr9-13176311-CC-AT.
Other names: c.2754_2755delinsAT, p.Val919Leu (NM_001261406.2, NM_001261407.2, NM_001330637.2 and 14 more transcripts); short protein forms V919L.
Identifiers: ClinVar variation 1413958 (VCV001413958.6), dbSNP rs2134189692, ClinGen allele CA2573143530.

ClinVar aggregate classification (germline): Uncertain significance (1 of 4 stars; one submission).

Submission:

Labcorp Genetics (formerly Invitae), Labcorp
Classification: Uncertain significance. Last evaluated: 2023-05-08. Review status: criteria provided, single submitter. Criteria: Invitae Variant Classification Sherloc (09022015). Collection method: clinical testing. Allele origin: germline.
Comment: This sequence change replaces valine with leucine at codon 919 of the MPDZ protein (p.Val919Leu). The valine residue is highly conserved and there is a small physicochemical difference between valine and leucine. Information on the frequency of this variant in the gnomAD database is not available, as this variant may be reported differently in the database. In summary, the available evidence is currently insufficient to determine the role of this variant in disease. Therefore, it has been classified as a Variant of Uncertain Significance. Experimental studies and prediction algorithms are not available or were not evaluated, and the functional significance of this variant is currently unknown. ClinVar contains an entry for this variant (Variation ID: 1413958). This variant has not been reported in the literature in individuals affected with MPDZ-related conditions.